The following is an entry in ClinVar:

NM_001943.5(DSG2):c.1548T>C (p.Thr516=)

Gene: DSG2 (desmoglein 2; plus strand). Cytogenetic location: 18q12.1.
Variant type: single nucleotide variant.
Coding change: c.1548T>C on transcript NM_001943.5 (MANE Select); coding-DNA position 1548, T replaced by C.
Protein change: p.Thr516=; no amino-acid change (threonine 516 retained).
Molecular consequence: synonymous variant.
Genome position (GRCh38, 1-based): chr18:31,536,326, T>C. VCF-style: chr18-31536326-T-C. GRCh37 (hg19) VCF-style: chr18-29116289-T-C.
Identifiers: ClinVar variation 928124 (VCV000928124.5), dbSNP rs2073230585, ClinGen allele CA503600735.

ClinVar aggregate classification (germline): Likely benign. Review status: criteria provided, multiple submitters, no conflicts (2 of 4 stars). 3 submissions from 3 submitters: Likely benign (3). Last evaluated 2024-04-25.

Conditions:
Arrhythmogenic right ventricular cardiomyopathy (ARVD). Also called: Arrhythmogenic cardiomyopathy; Cardiomyopathy, ARVC; Arrhythmogenic right ventricular dysplasia; Arrhythmogenic Right Ventricular Cardiomyopathy (ARVC). Identifiers: Orphanet 247, MedGen C0349788, MeSH D019571, MONDO:0016587. Disease mechanism: loss of function. Inheritance: Various modes of inheritance.
Cardiomyopathy (CMYO). Also called: Cardiomyopathies. Identifiers: Orphanet 167848, MedGen C0878544, MONDO:0004994, HP:0001638. Inheritance: Various modes of inheritance.
Arrhythmogenic right ventricular dysplasia 10. Also called: Arrhythmogenic Right Ventricular Dysplasia/Cardiomyopathy10; ARRHYTHMOGENIC RIGHT VENTRICULAR DYSPLASIA, FAMILIAL, 10; Arrhythmogenic right ventricular dysplasia/cardiomyopathy, type 10. Identifiers: MedGen C1857777, MONDO:0012434, OMIM 610193.

Allele frequency attached by ClinVar (database versions not stated): gnomAD exomes below 0.00001.
gnomAD v4.1: 1 of 1,614,228 alleles (0.000062%); highest among the groups gnomAD compares: Non-Finnish European, 0.000085%; no homozygotes.

Submissions (3):

Labcorp Genetics (formerly Invitae), Labcorp
Classification: Likely benign for Arrhythmogenic right ventricular dysplasia 10. Last evaluated: 2024-04-25. Review status: criteria provided, single submitter. Criteria: Invitae Variant Classification Sherloc (09022015). Collection method: clinical testing. Allele origin: germline.

All of Us Research Program, National Institutes of Health
Classification: Likely benign for Arrhythmogenic right ventricular cardiomyopathy. Last evaluated: 2024-02-22. Review status: criteria provided, single submitter. Criteria: ACMG Guidelines, 2015. Collection method: clinical testing. Allele origin: germline. Inheritance: Autosomal dominant inheritance. Observed: 1 variant allele, 1 heterozygote.
Comment: This study involves interpretation of variants in research participants for the purpose of population health screening. Participant phenotype was not available at the time of variant classification. Additional details can be found in publication PMID: 35346344, PMCID: PMC8962531

Color Diagnostics, LLC DBA Color Health
Classification: Likely benign for Cardiomyopathy. Last evaluated: 2019-03-07. Review status: criteria provided, single submitter. Criteria: ACMG Guidelines, 2015. Collection method: clinical testing. Allele origin: germline.